The following is an entry in ClinVar:

NM_020699.4(GATAD2B):c.1648+1G>A

Gene: GATAD2B (GATA zinc finger domain containing 2B; minus strand). Cytogenetic location: 1q21.3.
Variant type: single nucleotide variant.
Coding change: c.1648+1G>A on transcript NM_020699.4 (MANE Select); the canonical splice donor site of the intron after coding-DNA position 1648, G replaced by A.
Molecular consequence: splice donor variant.
Genome position (GRCh38, 1-based): chr1:153,811,730, C>T on the plus strand (G>A on the coding strand, the complement: GATAD2B is on the minus strand). VCF-style: chr1-153811730-C-T. GRCh37 (hg19) VCF-style: chr1-153784206-C-T.
Identifiers: ClinVar variation 2129073 (VCV002129073.5), dbSNP rs2525232549, ClinGen allele CA342580637.
Genomic context (GRCh38, chr1:153,811,730, plus strand): 5'-AGAACTGTATACTAACTAACAGCTGACCCATGAGAAACATTTTCAGATTAATCCTTCTTA[C>T]CTGGCATACCAAGGAGGCCACCTGGCACAGACAACTGGGGTGCCTGTGCAAAGTTTGAAA-3'

ClinVar aggregate classification (germline): Conflicting classifications of pathogenicity. Review status: criteria provided, conflicting classifications (1 of 4 stars). 2 submissions from 2 submitters: Pathogenic (1); Uncertain significance (1). Last evaluated 2025-08-26.

Submissions (2):

GeneDx
Classification: Pathogenic. Last evaluated: 2025-08-26. Review status: criteria provided, single submitter. Criteria: GeneDx Variant Classification Process June 2021. Collection method: clinical testing. Allele origin: germline. Affected: yes.
Comment: Canonical splice site variant predicted to result in a null allele in a gene for which loss of function is a known mechanism of disease; Not observed at significant frequency in large population cohorts (gnomAD); Has not been previously published as pathogenic or benign to our knowledge

Labcorp Genetics (formerly Invitae), Labcorp
Classification: Uncertain significance. Last evaluated: 2021-11-23. Review status: criteria provided, single submitter. Criteria: Invitae Variant Classification Sherloc (09022015). Collection method: clinical testing. Allele origin: germline.
Comment: In summary, the available evidence is currently insufficient to determine the role of this variant in disease. Therefore, it has been classified as a Variant of Uncertain Significance. This sequence change affects a donor splice site in intron 10 of the GATAD2B gene. While this variant is not anticipated to result in nonsense mediated decay, it likely alters RNA splicing and results in a disrupted protein product. This variant is not present in population databases (gnomAD no frequency). This variant has not been reported in the literature in individuals affected with GATAD2B-related conditions. Variants that disrupt the consensus splice site are a relatively common cause of aberrant splicing (PMID: 17576681, 9536098). Experimental studies and prediction algorithms are not available or were not evaluated, and the effect of this variant on mRNA splicing is currently unknown.

Literature cited by the submitters: PubMed 17576681 (cited by Labcorp Genetics (formerly Invitae), Labcorp); PubMed 9536098 (cited by Labcorp Genetics (formerly Invitae), Labcorp).